The following is an entry in ClinVar:

ClinVar aggregate classification (germline): Uncertain significance (1 of 4 stars; one submission).

gnomAD v4.1: 1 of 1,605,448 alleles (0.000062%); highest among the groups gnomAD compares: Non-Finnish European, 0.000085%; no homozygotes.

Submission:

Labcorp Genetics (formerly Invitae), Labcorp
Classification: Uncertain significance. Last evaluated: 2025-05-04. Review status: criteria provided, single submitter. Criteria: Invitae Variant Classification Sherloc (09022015). Collection method: clinical testing. Allele origin: germline.
Comment: This sequence change falls in intron 33 of the COL4A3 gene. It does not directly change the encoded amino acid sequence of the COL4A3 protein. It affects a nucleotide within the consensus splice site. This variant is not present in population databases (gnomAD no frequency). This variant has not been reported in the literature in individuals affected with COL4A3-related conditions. Variants that disrupt the consensus splice site are a relatively common cause of aberrant splicing (PMID: 17576681, 9536098). Algorithms developed to predict the effect of sequence changes on RNA splicing suggest that this variant is not likely to affect RNA splicing. In summary, the available evidence is currently insufficient to determine the role of this variant in disease. Therefore, it has been classified as a Variant of Uncertain Significance.

Literature cited by the submitters: PubMed 17576681; PubMed 9536098.

NM_000091.5(COL4A3):c.2746+4A>G

Genes: COL4A3 (collagen type IV alpha 3 chain; plus strand), MFF-DT (MFF divergent transcript; minus strand). Cytogenetic location: 2q36.3.
Variant type: single nucleotide variant.
Coding change: c.2746+4A>G on transcript NM_000091.5 (MANE Select); 4 bases into the intron after coding-DNA position 2746, A replaced by G.
Molecular consequence: intron variant.
Genome position (GRCh38, 1-based): chr2:227,283,860, A>G. VCF-style: chr2-227283860-A-G. GRCh37 (hg19) VCF-style: chr2-228148576-A-G.
Identifiers: ClinVar variation 4762757 (VCV004762757.1).
Genomic context (GRCh38, chr2:227,283,860, plus strand): 5'-CTGGAGCCATTGGCCCTCCAGGGCCCCCTGGGAACCCAGGCACACCAGGGCAGAGGGGTA[A>G]GTGATAGAGTGTCTTTCTAAATAGCAGGAAGCATAAACAATGTTCATTTATTTTGCAGCA-3'